The following is an entry in ClinVar:

ClinVar aggregate classification (germline): Uncertain significance (1 of 4 stars; one submission).

Conditions:
Hereditary cancer-predisposing syndrome. Also called: Tumor predisposition; Neoplastic Syndromes, Hereditary; Hereditary neoplastic syndrome; Hereditary Cancer Syndrome. Identifiers: Orphanet 140162, MedGen C0027672, MeSH D009386, MONDO:0015356.

Submission:

Ambry Genetics
Classification: Uncertain significance for Hereditary cancer-predisposing syndrome. Last evaluated: 2025-08-27. Review status: criteria provided, single submitter. Criteria: Ambry Variant Classification Scheme 2023. Collection method: clinical testing. Allele origin: germline.
Comment: The p.S49Y variant (also known as c.146C>A), located in coding exon 2 of the MUTYH gene, results from a C to A substitution at nucleotide position 146. The serine at codon 49 is replaced by tyrosine, an amino acid with dissimilar properties. This amino acid position is conserved. In addition, this alteration is predicted to be tolerated by in silico analysis. Based on the available evidence, the clinical significance of this variant remains unclear.

NM_001048174.2(MUTYH):c.104C>A (p.Ser35Tyr)

Gene: MUTYH (mutY DNA glycosylase; minus strand). Cytogenetic location: 1p34.1.
Variant type: single nucleotide variant.
Coding change: c.104C>A on transcript NM_001048174.2 (MANE Select); coding-DNA position 104, C replaced by A.
Protein change: p.Ser35Tyr; replaces serine 35 with tyrosine.
Molecular consequence: missense variant. On other transcripts: 5 prime UTR variant (7), non-coding transcript variant (7).
Genome position (GRCh38, 1-based): chr1:45,334,402, G>T on the plus strand (C>A on the coding strand, the complement: MUTYH is on the minus strand). VCF-style: chr1-45334402-G-T. GRCh37 (hg19) VCF-style: chr1-45800074-G-T.
Other names: c.104C>A, p.Ser35Tyr (NM_001048171.2, NM_001048172.2, NM_001048173.2 and 15 more transcripts); c.146C>A, p.Ser49Tyr (NM_001128425.2, NM_001293190.2, NM_001407069.1 and 2 more transcripts); c.-109C>A (NM_001293192.2, NM_001293196.2, NM_001407091.1); c.-168C>A (NM_001350650.2); c.-104C>A (NM_001350651.2, NM_001407082.1); c.-53C>A (NM_001407075.1); c.122C>A, p.Ser41Tyr (NM_001407087.1); short protein forms S49Y, S41Y, S35Y.
Identifiers: ClinVar variation 4113269 (VCV004113269.1).